The following is an entry in ClinVar:

ClinVar aggregate classification (germline): Uncertain significance (1 of 4 stars; one submission).

gnomAD v4.1: 8 of 1,586,124 alleles (0.0005%); highest among the groups gnomAD compares: South Asian, 0.0068%; 1 homozygote.

Submission:

Labcorp Genetics (formerly Invitae), Labcorp
Classification: Uncertain significance. Last evaluated: 2025-02-26. Review status: criteria provided, single submitter. Criteria: Invitae Variant Classification Sherloc (09022015). Collection method: clinical testing. Allele origin: germline.
Comment: This sequence change replaces aspartic acid, which is acidic and polar, with histidine, which is basic and polar, at codon 651 of the SH2B1 protein (p.Asp651His). This variant is present in population databases (rs755670519, gnomAD 0.004%). This variant has not been reported in the literature in individuals affected with SH2B1-related conditions. An algorithm developed to predict the effect of missense changes on protein structure and function (PolyPhen-2) suggests that this variant is likely to be disruptive. In summary, the available evidence is currently insufficient to determine the role of this variant in disease. Therefore, it has been classified as a Variant of Uncertain Significance.

NM_001387430.1(SH2B1):c.1951G>C (p.Asp651His)

Gene: SH2B1 (SH2B adaptor protein 1; plus strand). Cytogenetic location: 16p11.2.
Variant type: single nucleotide variant.
Coding change: c.1951G>C on transcript NM_001387430.1 (MANE Select); coding-DNA position 1951, G replaced by C.
Protein change: p.Asp651His; replaces aspartic acid 651 with histidine.
Molecular consequence: missense variant. On other transcripts: 3 prime UTR variant (5).
Genome position (GRCh38, 1-based): chr16:28,873,500, G>C. VCF-style: chr16-28873500-G-C. GRCh37 (hg19) VCF-style: chr16-28884821-G-C.
Other names: c.1951G>C, p.Asp651His (NM_001145795.2, NM_001308293.2, NM_001387404.1); c.*35G>C (NM_001145796.2, NM_001145812.2, NM_001308294.2 and 1 more transcripts); c.*52G>C (NM_001145797.2); short protein forms D651H.
Identifiers: ClinVar variation 4750901 (VCV004750901.1).